The following is an entry in ClinVar:

NM_002439.5(MSH3):c.2578A>G (p.Lys860Glu)

Gene: MSH3 (mutS homolog 3; plus strand). Cytogenetic location: 5q14.1.
Variant type: single nucleotide variant.
Coding change: c.2578A>G on transcript NM_002439.5 (MANE Select); coding-DNA position 2578, A replaced by G.
Protein change: p.Lys860Glu; replaces lysine 860 with glutamic acid.
Molecular consequence: missense variant.
Genome position (GRCh38, 1-based): chr5:80,792,767, A>G. VCF-style: chr5-80792767-A-G. GRCh37 (hg19) VCF-style: chr5-80088586-A-G.
Other names: c.2578A>G (NM_002439.3); short protein forms K860E.
Identifiers: ClinVar variation 2761959 (VCV002761959.4), dbSNP rs2546786764, ClinGen allele CA360272900.

ClinVar aggregate classification (germline): Uncertain significance. Review status: criteria provided, multiple submitters, no conflicts (2 of 4 stars). 2 submissions from 2 submitters: Uncertain significance (2). Last evaluated 2024-08-24.

Conditions:
Hereditary cancer-predisposing syndrome. Also called: Neoplastic Syndromes, Hereditary; Hereditary Cancer Syndrome; Hereditary neoplastic syndrome; Tumor predisposition. Identifiers: Orphanet 140162, MedGen C0027672, MeSH D009386, MONDO:0015356.

Allele frequency attached by ClinVar (database versions not stated): gnomAD exomes below 0.00001.
gnomAD v4.1: 1 of 1,613,392 alleles (0.000062%); highest among the groups gnomAD compares: Non-Finnish European, 0.000085%; no homozygotes.

Submissions (2):

Ambry Genetics
Classification: Uncertain significance for Hereditary cancer-predisposing syndrome. Last evaluated: 2024-08-24. Review status: criteria provided, single submitter. Criteria: Ambry Variant Classification Scheme 2023. Collection method: clinical testing. Allele origin: germline.
Comment: The p.K860E variant (also known as c.2578A>G), located in coding exon 19 of the MSH3 gene, results from an A to G substitution at nucleotide position 2578. The lysine at codon 860 is replaced by glutamic acid, an amino acid with similar properties. This amino acid position is conserved. In addition, the in silico prediction for this alteration is inconclusive. Based on the available evidence, the clinical significance of this variant remains unclear.

Labcorp Genetics (formerly Invitae), Labcorp
Classification: Uncertain significance. Last evaluated: 2023-09-20. Review status: criteria provided, single submitter. Criteria: Invitae Variant Classification Sherloc (09022015). Collection method: clinical testing. Allele origin: germline.
Comment: In summary, the available evidence is currently insufficient to determine the role of this variant in disease. Therefore, it has been classified as a Variant of Uncertain Significance. An algorithm developed to predict the effect of missense changes on protein structure and function (PolyPhen-2) suggests that this variant is likely to be tolerated. This variant has not been reported in the literature in individuals affected with MSH3-related conditions. This variant is not present in population databases (gnomAD no frequency). This sequence change replaces lysine, which is basic and polar, with glutamic acid, which is acidic and polar, at codon 860 of the MSH3 protein (p.Lys860Glu).